The following is an entry in ClinVar:

ClinVar aggregate classification (germline): Uncertain significance (1 of 4 stars; one submission).

Conditions:
NOTCH2-related disorder. Also called: NOTCH2-related condition.

Submission:

PreventionGenetics, part of Exact Sciences
Classification: Uncertain significance for NOTCH2-related condition. Last evaluated: 2023-02-14. Review status: criteria provided, single submitter. Criteria: ACMG Guidelines, 2015. Collection method: clinical testing. Allele origin: germline.
Comment: The NOTCH2 c.6851C>A variant is predicted to result in the amino acid substitution p.Pro2284His. To our knowledge, this variant has not been reported in the literature or in a large population database, indicating this variant is rare. At this time, the clinical significance of this variant is uncertain due to the absence of conclusive functional and genetic evidence.

NM_024408.4(NOTCH2):c.6851C>A (p.Pro2284His)

Gene: NOTCH2 (notch receptor 2; minus strand). Cytogenetic location: 1p12.
Variant type: single nucleotide variant.
Coding change: c.6851C>A on transcript NM_024408.4 (MANE Select); coding-DNA position 6851, C replaced by A.
Protein change: p.Pro2284His; replaces proline 2284 with histidine.
Molecular consequence: missense variant.
Genome position (GRCh38, 1-based): chr1:119,915,871, G>T on the plus strand (C>A on the coding strand, the complement: NOTCH2 is on the minus strand). VCF-style: chr1-119915871-G-T. GRCh37 (hg19) VCF-style: chr1-120458494-G-T.
Other names: short protein forms P2284H.
Identifiers: ClinVar variation 2630625 (VCV002630625.1), dbSNP rs2101142877, ClinGen allele CA341875318.
Genomic context (GRCh38, chr1:119,915,871, plus strand): 5'-ATGGGGGGCAAGGGCTCCCGAGGGGTGGTTATGTGCTTCCCTTCAGGTGGCCTGCTCTGG[G>T]GAGCTATGCCAGGATGGGTGCCCTCAGCTGGAGCCAGGACCATACCAAACATCTCATTGT-3'
Protein context (NP_077719.2, residues 2274-2294): PAEGTHPGIA[Pro2284His]QSRPPEGKHI